The following is an entry in ClinVar:

ClinVar aggregate classification (germline): Benign (1 of 4 stars; one submission).

Conditions:
Multiple synostoses syndrome 3 (SYNS3). Identifiers: Orphanet 3237, MedGen C2751826, MONDO:0013064, OMIM 612961.

Allele frequency attached by ClinVar (database versions not stated): gnomAD 0.00075 and 0.00094; TOPMed 0.00139; 1000 Genomes Project 0.00459; 1000 Genomes Project 30x 0.00625.
gnomAD v4.1: 143 of 152,360 alleles (0.094%); highest among the groups gnomAD compares: East Asian, 2.5%; 2 homozygotes.

Submission:

Illumina Laboratory Services, Illumina
Classification: Benign for Multiple synostoses syndrome 3. Last evaluated: 2018-01-13. Review status: criteria provided, single submitter. Criteria: ICSL Variant Classification Criteria 13 December 2019. Collection method: clinical testing. Allele origin: germline.
Comment: This variant was observed in the ICSL laboratory as part of a predisposition screen in an ostensibly healthy population. It had not been previously curated by ICSL or reported in the Human Gene Mutation Database (HGMD: prior to June 1st, 2018), and was therefore a candidate for classification through an automated scoring system. Utilizing variant allele frequency, disease prevalence and penetrance estimates, and inheritance mode, an automated score was calculated to assess if this variant is too frequent to cause the disease. Based on the score and internal cut-off values, a variant classified as benign is not then subjected to further curation. The score for this variant resulted in a classification of benign for this disease.

NM_002010.3(FGF9):c.-712C>T

Gene: FGF9 (fibroblast growth factor 9; plus strand). Cytogenetic location: 13q12.11.
Variant type: single nucleotide variant.
Coding change: c.-712C>T on transcript NM_002010.3 (MANE Select); 712 bases upstream of the start codon, C replaced by T.
Molecular consequence: 5 prime UTR variant.
Genome position (GRCh38, 1-based): chr13:21,671,201, C>T. VCF-style: chr13-21671201-C-T. GRCh37 (hg19) VCF-style: chr13-22245340-C-T.
Identifiers: ClinVar variation 311405 (VCV000311405.5), dbSNP rs376388740, ClinGen allele CA10643009.